The following is an entry in ClinVar:

ClinVar aggregate classification (germline): Uncertain significance (1 of 4 stars; one submission).

gnomAD v4.1: 1 of 1,613,606 alleles (0.000062%); highest among the groups gnomAD compares: Non-Finnish European, 0.000085%; no homozygotes.

Submission:

Ambry Genetics
Classification: Uncertain significance. Last evaluated: 2025-10-09. Review status: criteria provided, single submitter. Criteria: Ambry Variant Classification Scheme 2023. Collection method: clinical testing. Allele origin: germline.
Comment: The p.H505Y variant (also known as c.1513C>T), located in coding exon 16 of the SRP72 gene, results from a C to T substitution at nucleotide position 1513. The histidine at codon 505 is replaced by tyrosine, an amino acid with similar properties. This amino acid position is conserved. In addition, the in silico prediction for this alteration is inconclusive. Based on the available evidence, the clinical significance of this variant remains unclear.

NM_006947.4(SRP72):c.1513C>T (p.His505Tyr)

Gene: SRP72 (signal recognition particle 72; plus strand). Cytogenetic location: 4q12.
Variant type: single nucleotide variant.
Coding change: c.1513C>T on transcript NM_006947.4 (MANE Select); coding-DNA position 1513, C replaced by T.
Protein change: p.His505Tyr; replaces histidine 505 with tyrosine.
Molecular consequence: missense variant. On other transcripts: non-coding transcript variant (1).
Genome position (GRCh38, 1-based): chr4:56,491,441, C>T. VCF-style: chr4-56491441-C-T. GRCh37 (hg19) VCF-style: chr4-57357607-C-T.
Other names: c.1330C>T, p.His444Tyr (NM_001267722.2); short protein forms H444Y, H505Y.
Identifiers: ClinVar variation 4589597 (VCV004589597.1).